The following is an entry in ClinVar:

NM_000069.3(CACNA1S):c.90C>T (p.Ala30=)

Gene: CACNA1S (calcium voltage-gated channel subunit alpha1 S; minus strand). Cytogenetic location: 1q32.1.
Variant type: single nucleotide variant.
Coding change: c.90C>T on transcript NM_000069.3 (MANE Select); coding-DNA position 90, C replaced by T.
Protein change: p.Ala30=; no amino-acid change (alanine 30 retained).
Molecular consequence: synonymous variant.
Genome position (GRCh38, 1-based): chr1:201,112,250, G>A on the plus strand (C>T on the coding strand, the complement: CACNA1S is on the minus strand). VCF-style: chr1-201112250-G-A. GRCh37 (hg19) VCF-style: chr1-201081378-G-A.
Identifiers: ClinVar variation 3070807 (VCV003070807.1), dbSNP rs779221524, ClinGen allele CA422698049.

ClinVar aggregate classification (germline): Likely benign (1 of 4 stars; one submission).

Conditions:
Malignant hyperthermia, susceptibility to, 5 (MHS5). Also called: CACNA1S-Related Malignant Hyperthermia Susceptibility. Identifiers: Orphanet 423, MedGen C1866077, MONDO:0011163, OMIM 601887.

Submission:

All of Us Research Program, National Institutes of Health
Classification: Likely benign for Malignant hyperthermia, susceptibility to, 5. Last evaluated: 2023-05-04. Review status: criteria provided, single submitter. Criteria: ACMG Guidelines, 2015. Collection method: clinical testing. Allele origin: germline. Inheritance: Autosomal dominant inheritance. Observed: 1 variant allele, 1 heterozygote.
Comment: This study involves interpretation of variants in research participants for the purpose of population health screening. Participant phenotype was not available at the time of variant classification. Additional details can be found in publication PMID: 35346344, PMCID: PMC8962531